The following is an entry in ClinVar:

ClinVar aggregate classification (germline): Uncertain significance (1 of 4 stars; one submission).

Submission:

Women's Health and Genetics/Laboratory Corporation of America, LabCorp
Classification: Uncertain significance. Last evaluated: 2024-07-22. Review status: criteria provided, single submitter. Criteria: LabCorp Variant Classification Summary - May 2015. Collection method: clinical testing. Allele origin: germline.
Comment: Variant summary: HBA1 c.40G>A (p.Ala14Thr) results in a non-conservative amino acid change located in the Globin domain of the encoded protein sequence. Four of five in-silico tools predict a benign effect of the variant on protein function. The variant allele was found at a frequency of 6e-06 in 165496 control chromosomes. The available data on variant occurrences in the general population are insufficient to allow any conclusion about variant significance. c.40G>A has been reported in the literature in individuals affected with borderline mean corpuscular volume and mild microcytosis in heterozygous state (example: Harteveld_2016). To our knowledge, no experimental evidence demonstrating an impact on protein function has been reported. The following publication has been ascertained in the context of this evaluation (PMID: 27624280). No submitters have cited clinical-significance assessments for this variant to ClinVar. Based on the evidence outlined above, the variant was classified as uncertain significance.

Literature cited by the submitters: PubMed 27624280.

NM_000558.5(HBA1):c.40G>A (p.Ala14Thr)

Genes: HBA1 (hemoglobin subunit alpha 1; plus strand), LOC106804613 (hemoglobin subunit alpha 1 recombination region; plus strand). Cytogenetic location: 16p13.3.
Variant type: single nucleotide variant.
Coding change: c.40G>A on transcript NM_000558.5 (MANE Select); coding-DNA position 40, G replaced by A.
Protein change: p.Ala14Thr; replaces alanine 14 with threonine.
Molecular consequence: missense variant.
Genome position (GRCh38, 1-based): chr16:176,756, G>A. VCF-style: chr16-176756-G-A. GRCh37 (hg19) VCF-style: chr16-226755-G-A.
Other names: short protein forms A14T.
Identifiers: ClinVar variation 3339429 (VCV003339429.1).